The following is an entry in ClinVar:

ClinVar aggregate classification (germline): Uncertain significance. Review status: criteria provided, multiple submitters, no conflicts (2 of 4 stars). 2 submissions from 2 submitters: Uncertain significance (2). Last evaluated 2023-09-22.

Conditions:
Fanconi anemia complementation group J. Also called: BRIP1-Related Fanconi Anemia. Identifiers: Orphanet 84, MedGen C1836860, MONDO:0012187, OMIM 609054.
Familial cancer of breast. Also called: BREAST CANCER, FAMILIAL; Hereditary breast cancer; hereditary breast carcinoma. Identifiers: Orphanet 227535, MedGen C0346153, MONDO:0016419, OMIM 114480. Disease mechanism: loss of function.
Hereditary cancer-predisposing syndrome. Also called: Tumor predisposition; Neoplastic Syndromes, Hereditary; Hereditary Cancer Syndrome; Hereditary neoplastic syndrome. Identifiers: Orphanet 140162, MedGen C0027672, MeSH D009386, MONDO:0015356.

Submissions (2):

Labcorp Genetics (formerly Invitae), Labcorp
Classification: Uncertain significance for Familial cancer of breast; Fanconi anemia complementation group J. Last evaluated: 2023-09-22. Review status: criteria provided, single submitter. Criteria: Invitae Variant Classification Sherloc (09022015). Collection method: clinical testing. Allele origin: germline.
Comment: This sequence change replaces aspartic acid, which is acidic and polar, with asparagine, which is neutral and polar, at codon 336 of the BRIP1 protein (p.Asp336Asn). This variant is not present in population databases (gnomAD no frequency). This variant has not been reported in the literature in individuals affected with BRIP1-related conditions. ClinVar contains an entry for this variant (Variation ID: 1785286). Advanced modeling of protein sequence and biophysical properties (such as structural, functional, and spatial information, amino acid conservation, physicochemical variation, residue mobility, and thermodynamic stability) performed at Invitae indicates that this missense variant is expected to disrupt BRIP1 protein function. In summary, the available evidence is currently insufficient to determine the role of this variant in disease. Therefore, it has been classified as a Variant of Uncertain Significance.

Ambry Genetics
Classification: Uncertain significance for Hereditary cancer-predisposing syndrome. Last evaluated: 2022-01-11. Review status: criteria provided, single submitter. Criteria: Ambry Variant Classification Scheme 2023. Collection method: clinical testing. Allele origin: germline.
Comment: The p.D336N variant (also known as c.1006G>A), located in coding exon 7 of the BRIP1 gene, results from a G to A substitution at nucleotide position 1006. The aspartic acid at codon 336 is replaced by asparagine, an amino acid with highly similar properties. This amino acid position is conserved. In addition, the in silico prediction for this alteration is inconclusive. Since supporting evidence is limited at this time, the clinical significance of this alteration remains unclear.

NM_032043.3(BRIP1):c.1006G>A (p.Asp336Asn)

Gene: BRIP1 (BRCA1 interacting DNA helicase 1; minus strand). Cytogenetic location: 17q23.2.
Variant type: single nucleotide variant.
Coding change: c.1006G>A on transcript NM_032043.3 (MANE Select); coding-DNA position 1006, G replaced by A.
Protein change: p.Asp336Asn; replaces aspartic acid 336 with asparagine.
Molecular consequence: missense variant.
Genome position (GRCh38, 1-based): chr17:61,801,387, C>T on the plus strand (G>A on the coding strand, the complement: BRIP1 is on the minus strand). VCF-style: chr17-61801387-C-T. GRCh37 (hg19) VCF-style: chr17-59878748-C-T.
Other names: short protein forms D336N.
Identifiers: ClinVar variation 1785286 (VCV001785286.5), dbSNP rs1214800958, ClinGen allele CA400484129.